The following is an entry in ClinVar:

NM_015072.5(TTLL5):c.1551-2A>G

Gene: TTLL5 (tubulin tyrosine ligase like 5; plus strand). Cytogenetic location: 14q24.3.
Variant type: single nucleotide variant.
Coding change: c.1551-2A>G on transcript NM_015072.5 (MANE Select); the canonical splice acceptor site of the intron before coding-DNA position 1551, A replaced by G.
Molecular consequence: splice acceptor variant.
Genome position (GRCh38, 1-based): chr14:75,764,613, A>G. VCF-style: chr14-75764613-A-G. GRCh37 (hg19) VCF-style: chr14-76230956-A-G.
Identifiers: ClinVar variation 1067519 (VCV001067519.7), dbSNP rs1359166382, ClinGen allele CA390466212.
Genomic context (GRCh38, chr14:75,764,613, plus strand): 5'-AGCCTTGGAATGAAGGAGAGAACTTTCTGAAGGCCATAGCTACCATGTTGCTTTTCCCCT[A>G]GAATGACTGCTGATGGAGCGCCAGAATTGAAGATAGAGAGTCTGAATTCAAAGGCCAAGC-3'

ClinVar aggregate classification (germline): Likely pathogenic (1 of 4 stars; one submission).

Allele frequency attached by ClinVar (database versions not stated): gnomAD exomes below 0.00001.
gnomAD v4.1: 2 of 1,614,056 alleles (0.00012%); highest among the groups gnomAD compares: South Asian, 0.0011%; no homozygotes.

Submission:

Labcorp Genetics (formerly Invitae), Labcorp
Classification: Likely pathogenic. Last evaluated: 2022-10-13. Review status: criteria provided, single submitter. Criteria: Invitae Variant Classification Sherloc (09022015). Collection method: clinical testing. Allele origin: germline.
Comment: In summary, the currently available evidence indicates that the variant is pathogenic, but additional data are needed to prove that conclusively. Therefore, this variant has been classified as Likely Pathogenic. Algorithms developed to predict the effect of sequence changes on RNA splicing suggest that this variant may disrupt the consensus splice site. ClinVar contains an entry for this variant (Variation ID: 1067519). Disruption of this splice site has been observed in individual(s) with retinitis pigmentosa (Invitae). This variant is present in population databases (no rsID available, gnomAD 0.003%). This sequence change affects an acceptor splice site in intron 18 of the TTLL5 gene. It is expected to disrupt RNA splicing. Variants that disrupt the donor or acceptor splice site typically lead to a loss of protein function (PMID: 16199547), and loss-of-function variants in TTLL5 are known to be pathogenic (PMID: 24791901, 27162334).

Literature cited by the submitters: PubMed 16199547; PubMed 24791901; PubMed 27162334.